The following is an entry in ClinVar:

NM_001220.5(CAMK2B):c.233A>G (p.Asp78Gly)

Gene: CAMK2B (calcium/calmodulin dependent protein kinase II beta; minus strand). Cytogenetic location: 7p13.
Variant type: single nucleotide variant.
Coding change: c.233A>G on transcript NM_001220.5 (MANE Select); coding-DNA position 233, A replaced by G.
Protein change: p.Asp78Gly; replaces aspartic acid 78 with glycine.
Molecular consequence: missense variant.
Genome position (GRCh38, 1-based): chr7:44,258,914, T>C on the plus strand (A>G on the coding strand, the complement: CAMK2B is on the minus strand). VCF-style: chr7-44258914-T-C. GRCh37 (hg19) VCF-style: chr7-44298513-T-C.
Other names: c.233A>G, p.Asp78Gly (NM_001293170.2, NM_172078.3, NM_172079.3 and 5 more transcripts); short protein forms D78G.
Identifiers: ClinVar variation 2579363 (VCV002579363.1), dbSNP rs2486752512, ClinGen allele CA367372043.
Genomic context (GRCh38, chr7:44,258,914, plus strand): 5'-CCCAGCTCTGGAACTTACAGATCGAAGACCAGGTAGTGGAAGCCCTCCTCGGAGATGCTG[T>C]CGTGGAGACGCACTGTGGGGACAGAGAAGCCATGAGGGGCTGGCAATAGCCCAGGACACA-3'
Protein context (NP_001211.3, residues 68-88): LKHSNIVRLH[Asp78Gly]SISEEGFHYL

ClinVar aggregate classification (germline): Uncertain significance (1 of 4 stars; one submission).

Submission:

GeneDx
Classification: Uncertain significance. Last evaluated: 2023-03-07. Review status: criteria provided, single submitter. Criteria: GeneDx Variant Classification Process June 2021. Collection method: clinical testing. Allele origin: germline. Affected: yes.
Comment: Not observed at significant frequency in large population cohorts (gnomAD); In silico analysis supports that this missense variant has a deleterious effect on protein structure/function; Has not been previously published as pathogenic or benign to our knowledge